The following is an entry in ClinVar:

NM_001378120.1(MBD5):c.2658G>C (p.Gly886=)

Gene: MBD5 (methyl-CpG binding domain protein 5; plus strand). Cytogenetic location: 2q23.1.
Variant type: single nucleotide variant.
Coding change: c.2658G>C on transcript NM_001378120.1 (MANE Select); coding-DNA position 2658, G replaced by C.
Protein change: p.Gly886=; no amino-acid change (glycine 886 retained).
Molecular consequence: synonymous variant.
Genome position (GRCh38, 1-based): chr2:148,483,249, G>C. VCF-style: chr2-148483249-G-C. GRCh37 (hg19) VCF-style: chr2-149240818-G-C.
Other names: c.2658G>C, p.Gly886= (NM_018328.5).
Identifiers: ClinVar variation 3257433 (VCV003257433.17).

ClinVar aggregate classification (germline): Uncertain significance (1 of 4 stars; one submission).

Submission:

CeGaT Center for Human Genetics Tuebingen
Classification: Uncertain significance. Last evaluated: 2024-07-01. Review status: criteria provided, single submitter. Criteria: CeGaT Center For Human Genetics Tuebingen Variant Classification Criteria Version 2. Collection method: clinical testing. Allele origin: germline. Affected: yes. Observed: 1 variant allele.
Comment: MBD5: PM2:Supporting, BP4